The following is an entry in ClinVar:

NM_002972.4(SBF1):c.5452-19A>G

Gene: SBF1 (SET binding factor 1; minus strand). Cytogenetic location: 22q13.33.
Variant type: single nucleotide variant.
Coding change: c.5452-19A>G on transcript NM_002972.4 (MANE Select); 19 bases into the intron before coding-DNA position 5452, A replaced by G.
Molecular consequence: intron variant.
Genome position (GRCh38, 1-based): chr22:50,447,472, T>C on the plus strand (A>G on the coding strand, the complement: SBF1 is on the minus strand). VCF-style: chr22-50447472-T-C. GRCh37 (hg19) VCF-style: chr22-50885901-T-C.
Other names: c.5374-19A>G (NM_001410795.1); c.5377-19A>G (NM_001365819.1); c.5455-19A>G (NM_001410794.1).
Identifiers: ClinVar variation 3676072 (VCV003676072.2).
Genomic context (GRCh38, chr22:50,447,472, plus strand): 5'-ACCCTTGCACTCTGTGTCCACACGGTGGTCGTAGTAGCGCAGCTGGAGGAGGCCACAGAG[T>C]CAGCGGAGCCCCCTCCCCCGTGAGTCCCCCCCACCACCTGATCACTCACCTGGTGCTTGG-3'

ClinVar aggregate classification (germline): Uncertain significance (1 of 4 stars; one submission).

gnomAD v4.1: 1 of 1,609,858 alleles (0.000062%); highest among the groups gnomAD compares: Non-Finnish European, 0.000085%; no homozygotes.

Submission:

Labcorp Genetics (formerly Invitae), Labcorp
Classification: Uncertain significance. Last evaluated: 2024-08-28. Review status: criteria provided, single submitter. Criteria: Invitae Variant Classification Sherloc (09022015). Collection method: clinical testing. Allele origin: germline.
Comment: This sequence change falls in intron 39 of the SBF1 gene. It does not directly change the encoded amino acid sequence of the SBF1 protein. This variant is not present in population databases (gnomAD no frequency). This variant has not been reported in the literature in individuals affected with SBF1-related conditions. Algorithms developed to predict the effect of sequence changes on RNA splicing suggest that this variant may disrupt the consensus splice site. In summary, the available evidence is currently insufficient to determine the role of this variant in disease. Therefore, it has been classified as a Variant of Uncertain Significance.